The following is an entry in ClinVar:

NM_001271.4(CHD2):c.1357A>G (p.Ile453Val)

Gene: CHD2 (chromodomain helicase DNA binding protein 2; plus strand). Cytogenetic location: 15q26.1.
Variant type: single nucleotide variant.
Coding change: c.1357A>G on transcript NM_001271.4 (MANE Select); coding-DNA position 1357, A replaced by G.
Protein change: p.Ile453Val; replaces isoleucine 453 with valine.
Molecular consequence: missense variant.
Genome position (GRCh38, 1-based): chr15:92,946,196, A>G. VCF-style: chr15-92946196-A-G. GRCh37 (hg19) VCF-style: chr15-93489426-A-G.
Other names: c.1357A>G, p.Ile453Val (NM_001042572.3); short protein forms I453V.
Identifiers: ClinVar variation 965627 (VCV000965627.10), dbSNP rs144393676, ClinGen allele CA393903955.

ClinVar aggregate classification (germline): Uncertain significance (1 of 4 stars; one submission).

Conditions:
Developmental and epileptic encephalopathy 94 (DEE94). Also called: Epileptic encephalopathy, childhood-onset; CHD2-Related Neurodevelopmental Disorders. Identifiers: Orphanet 1942, Orphanet 2382, MedGen C3809278, MONDO:0014150, OMIM 615369.

gnomAD v4.1: 1 of 1,611,596 alleles (0.000062%); highest among the groups gnomAD compares: South Asian, 0.0011%; no homozygotes.

Submission:

Labcorp Genetics (formerly Invitae), Labcorp
Classification: Uncertain significance for Developmental and epileptic encephalopathy 94. Last evaluated: 2020-06-07. Review status: criteria provided, single submitter. Criteria: Invitae Variant Classification Sherloc (09022015). Collection method: clinical testing. Allele origin: germline.
Comment: This sequence change replaces isoleucine with valine at codon 453 of the CHD2 protein (p.Ile453Val). The isoleucine residue is highly conserved and there is a small physicochemical difference between isoleucine and valine. This variant is not present in population databases (ExAC no frequency). This variant has not been reported in the literature in individuals with CHD2-related conditions. Algorithms developed to predict the effect of missense changes on protein structure and function are either unavailable or do not agree on the potential impact of this missense change (SIFT: "Deleterious"; PolyPhen-2: "Benign"; Align-GVGD: "Class C25"). In summary, the available evidence is currently insufficient to determine the role of this variant in disease. Therefore, it has been classified as a Variant of Uncertain Significance.